The following is an entry in ClinVar:

NM_000204.5(CFI):c.192G>A (p.Pro64=)

Gene: CFI (complement factor I; minus strand). Cytogenetic location: 4q25.
Variant type: single nucleotide variant.
Coding change: c.192G>A on transcript NM_000204.5 (MANE Select); coding-DNA position 192, G replaced by A.
Protein change: p.Pro64=; no amino-acid change (proline 64 retained).
Molecular consequence: synonymous variant. On other transcripts: non-coding transcript variant (3), intron variant (1).
Genome position (GRCh38, 1-based): chr4:109,766,690, C>T on the plus strand (G>A on the coding strand, the complement: CFI is on the minus strand). VCF-style: chr4-109766690-C-T. GRCh37 (hg19) VCF-style: chr4-110687846-C-T.
Other names: p.Pro64=; c.192G>A, p.Pro64= (NM_001318057.2, NM_001331035.2, NM_001375278.1 and 5 more transcripts); c.-127-4998G>A (NM_001375284.1).
Identifiers: ClinVar variation 722622 (VCV000722622.22), dbSNP rs571265769, ClinGen allele CA3042337.

ClinVar aggregate classification (germline): Conflicting classifications of pathogenicity. Review status: criteria provided, conflicting classifications (1 of 4 stars). 7 submissions from 7 submitters: Uncertain significance (1); Likely benign (4). 2 of the submissions do not count toward it. Last evaluated 2025-12-15.

Allele frequency attached by ClinVar (database versions not stated): ExAC 0.00005; gnomAD 0.00009; TOPMed 0.00011; 1000 Genomes Project 0.00020; 1000 Genomes Project 30x 0.00031.

Submissions (7):

Labcorp Genetics (formerly Invitae), Labcorp
Classification: Likely benign. Last evaluated: 2025-12-15. Review status: criteria provided, single submitter. Criteria: Invitae Variant Classification Sherloc (09022015). Collection method: clinical testing. Allele origin: germline.

Mayo Clinic Laboratories, Mayo Clinic
Classification: Likely benign. Last evaluated: 2025-09-04. Review status: criteria provided, single submitter. Criteria: ACMG Guidelines, 2015. Collection method: clinical testing. Allele origin: germline. Observed: 1 variant allele.
Comment: BP4, BP7

CeGaT Center for Human Genetics Tuebingen
Classification: Likely benign. Last evaluated: 2025-07-01. Review status: criteria provided, single submitter. Criteria: CeGaT Center For Human Genetics Tuebingen Variant Classification Criteria Version 2. Collection method: clinical testing. Allele origin: germline. Affected: yes. Observed: 1 variant allele.
Comment: CFI: BP4, BP7

Blueprint Genetics
Classification: Uncertain significance. Last evaluated: 2024-06-10. Review status: criteria provided, single submitter. Criteria: ACMG Guidelines, 2015. Collection method: clinical testing. Allele origin: germline.

Breakthrough Genomics
Classification: Likely benign. Review status: criteria provided, single submitter. Criteria: ACMG Guidelines, 2015. Collection method: not provided. Allele origin: germline. Inheritance: Autosomal recessive inheritance. Affected: yes.

Clinical Genetics DNA and cytogenetics Diagnostics Lab, Erasmus MC, Erasmus Medical Center
Classification: Likely benign. Review status: no assertion criteria provided. Collection method: clinical testing. Allele origin: germline. Affected: yes. Study: VKGL Data-share Consensus. Not counted in ClinVar's aggregate classification.

Joint Genome Diagnostic Labs from Nijmegen and Maastricht, Radboudumc and MUMC+
Classification: Benign. Review status: no assertion criteria provided. Collection method: clinical testing. Allele origin: germline. Affected: yes. Study: VKGL Data-share Consensus. Not counted in ClinVar's aggregate classification.